The following is an entry in ClinVar:

NM_001783.4(CD79A):c.593T>C (p.Met198Thr)

Genes: CD79A (CD79a molecule; plus strand), RPS19-CD79A (RPS19-CD79A readthrough; plus strand). Cytogenetic location: 19q13.2.
Variant type: single nucleotide variant.
Coding change: c.593T>C on transcript NM_001783.4 (MANE Select); coding-DNA position 593, T replaced by C.
Protein change: p.Met198Thr; replaces methionine 198 with threonine.
Molecular consequence: missense variant.
Genome position (GRCh38, 1-based): chr19:41,880,892, T>C. VCF-style: chr19-41880892-T-C. GRCh37 (hg19) VCF-style: chr19-42384959-T-C.
Other names: c.479T>C, p.Met160Thr (NM_021601.4); short protein forms M198T, M160T.
Identifiers: ClinVar variation 133837 (VCV000133837.6), dbSNP rs532288711, ClinGen allele CA157924.

ClinVar aggregate classification (germline): Uncertain significance. Review status: criteria provided, single submitter (1 of 4 stars). 2 submissions from 2 submitters: Uncertain significance (1). 1 of the submissions does not count toward it. Last evaluated 2022-08-23.

Conditions:
Agammaglobulinemia 3, autosomal recessive (AGM3). Also called: AGAMMAGLOBULINEMIA 3; AGAMMAGLOBULINEMIA, AUTOSOMAL RECESSIVE, DUE TO CD79A DEFECT. Identifiers: MedGen C3150751, MONDO:0013288, OMIM 613501.

Allele frequency attached by ClinVar (database versions not stated): gnomAD 0.00012; gnomAD exomes 0.00015 and 0.00029; TOPMed 0.00017; ExAC 0.00031.

Submissions (2):

Labcorp Genetics (formerly Invitae), Labcorp
Classification: Uncertain significance for Agammaglobulinemia 3, autosomal recessive. Last evaluated: 2022-08-23. Review status: criteria provided, single submitter. Criteria: Invitae Variant Classification Sherloc (09022015). Collection method: clinical testing. Allele origin: germline.
Comment: This sequence change replaces methionine, which is neutral and non-polar, with threonine, which is neutral and polar, at codon 198 of the CD79A protein (p.Met198Thr). This variant is present in population databases (rs532288711, gnomAD 0.03%), including at least one homozygous and/or hemizygous individual. This variant has not been reported in the literature in individuals affected with CD79A-related conditions. ClinVar contains an entry for this variant (Variation ID: 133837). Algorithms developed to predict the effect of missense changes on protein structure and function are either unavailable or do not agree on the potential impact of this missense change (SIFT: "Tolerated"; PolyPhen-2: "Probably Damaging"; Align-GVGD: "Class C0"). In summary, the available evidence is currently insufficient to determine the role of this variant in disease. Therefore, it has been classified as a Variant of Uncertain Significance.

ITMI
No classification provided. Condition: AllHighlyPenetrant. Last evaluated: 2013-09-19. Review status: no classification provided. Collection method: reference population. Allele origin: germline. Not counted in ClinVar's aggregate classification.
Comment: Please see associated publication for description of ethnicities

Literature cited by the submitters: PubMed 24728327 (cited by ITMI).